The following is an entry in ClinVar:

ClinVar aggregate classification (germline): Likely benign (1 of 4 stars; one submission).

Conditions:
GAPVD1-related disorder. Also called: GAPVD1-related condition.

gnomAD v4.1: 123 of 1,612,310 alleles (0.0076%); highest among the groups gnomAD compares: East Asian, 0.022%; 1 homozygote.

Submission:

PreventionGenetics, part of Exact Sciences
Classification: Likely benign for GAPVD1-related condition. Last evaluated: 2025-12-16. Review status: criteria provided, single submitter. Criteria: ACMG Guidelines, 2015. Collection method: clinical testing. Allele origin: germline.
Comment: This variant is classified as likely benign based on ACMG/AMP sequence variant interpretation guidelines (Richards et al. 2015 PMID: 25741868, with internal and published modifications).

NM_001282680.3(GAPVD1):c.3783C>T (p.Asp1261=)

Gene: GAPVD1 (GTPase activating protein and VPS9 domains 1; plus strand). Cytogenetic location: 9q33.3.
Variant type: single nucleotide variant.
Coding change: c.3783C>T on transcript NM_001282680.3 (MANE Select); coding-DNA position 3783, C replaced by T.
Protein change: p.Asp1261=; no amino-acid change (aspartic acid 1261 retained).
Molecular consequence: synonymous variant. On other transcripts: non-coding transcript variant (2).
Genome position (GRCh38, 1-based): chr9:125,355,669, C>T. VCF-style: chr9-125355669-C-T. GRCh37 (hg19) VCF-style: chr9-128117948-C-T.
Other names: c.3837C>T, p.Asp1279= (NM_001282679.2); c.3720C>T, p.Asp1240= (NM_001282681.3, NM_001354297.2, NM_001354300.2); c.3639C>T, p.Asp1213= (NM_001330777.3, NM_001438414.1); c.3702C>T, p.Asp1234= (NM_001330778.3); c.3783C>T, p.Asp1261= (NM_001354294.2, NM_001354295.2, NM_001354296.2 and 3 more transcripts); c.3801C>T, p.Asp1267= (NM_001438415.1); c.3864C>T, p.Asp1288= (NM_015635.4).
Identifiers: ClinVar variation 4984944 (VCV004984944.1).
Genomic context (GRCh38, chr9:125,355,669, plus strand): 5'-TTAAACTATTTAAAAATTATTATTTTGCTTTGGAGACTTTCAGAAACTCACCGCAGCTGA[C>T]GATAAAACTGCTCAGGTAGAAGATTTTCTGCAGTTTCTTTATGGTGCAATGGCCCAGGAT-3'
Protein context (NP_001269609.1, residues 1251-1271): IQDFQKLTAA[Asp1261=]DKTAQVEDFL